The following is an entry in ClinVar:

ClinVar aggregate classification (germline): Uncertain significance (1 of 4 stars; one submission).

Conditions:
Neuropathy, hereditary sensory and autonomic, type 2A (HSAN2A). Also called: WNK1-Related HSAN2 (HSAN2A); NEUROPATHY, CONGENITAL SENSORY; NEUROPATHY, HEREDITARY SENSORY RADICULAR, AUTOSOMAL RECESSIVE; NEUROPATHY, HEREDITARY SENSORY, TYPE IIA; NEUROPATHY, PROGRESSIVE SENSORY, OF CHILDREN; HSAN IIA. Identifiers: Orphanet 970, MedGen C2752089, MONDO:0024309, OMIM 201300.
Generalized epilepsy with febrile seizures plus, type 7 (GEFSP7). Also called: GEFS+, TYPE 7. Identifiers: Orphanet 36387, MedGen C2751778, MONDO:0013470, OMIM 613863.

Submission:

Labcorp Genetics (formerly Invitae), Labcorp
Classification: Uncertain significance for Neuropathy, hereditary sensory and autonomic, type 2A; Generalized epilepsy with febrile seizures plus, type 7. Last evaluated: 2022-08-16. Review status: criteria provided, single submitter. Criteria: Invitae Variant Classification Sherloc (09022015). Collection method: clinical testing. Allele origin: germline.
Comment: In summary, the available evidence is currently insufficient to determine the role of this variant in disease. Therefore, it has been classified as a Variant of Uncertain Significance. Algorithms developed to predict the effect of missense changes on protein structure and function (SIFT, PolyPhen-2, Align-GVGD) all suggest that this variant is likely to be disruptive. ClinVar contains an entry for this variant (Variation ID: 1507503). This variant has not been reported in the literature in individuals affected with SCN9A-related conditions. This variant is not present in population databases (gnomAD no frequency). This sequence change replaces asparagine, which is neutral and polar, with isoleucine, which is neutral and non-polar, at codon 336 of the SCN9A protein (p.Asn336Ile).

NM_001365536.1(SCN9A):c.1007A>T (p.Asn336Ile)

Genes: SCN1A-AS1 (SCN1A and SCN9A antisense RNA 1; plus strand), SCN9A (sodium voltage-gated channel alpha subunit 9; minus strand). Cytogenetic location: 2q24.3.
Variant type: single nucleotide variant.
Coding change: c.1007A>T on transcript NM_001365536.1 (MANE Select); coding-DNA position 1007, A replaced by T.
Protein change: p.Asn336Ile; replaces asparagine 336 with isoleucine.
Molecular consequence: missense variant.
Genome position (GRCh38, 1-based): chr2:166,293,331, T>A on the plus strand (A>T on the coding strand, the complement: SCN9A is on the minus strand). VCF-style: chr2-166293331-T-A. GRCh37 (hg19) VCF-style: chr2-167149841-T-A.
Other names: c.1007A>T, p.Asn336Ile (NM_002977.4); short protein forms N336I.
Identifiers: ClinVar variation 1507503 (VCV001507503.6), dbSNP rs1574883280, ClinGen allele CA349089238.
Genomic context (GRCh38, chr2:166,293,331, plus strand): 5'-CTAAACAAGGCTAAGAAGGCCCAGCTGAAAGTGTCAAAGCTCGTGTAGCCATAATCAGGG[T>A]TTCTGCCAATTTTCACACAGGTGTACCCCTCTGGACACTGACTACACACGAGAAAGAACA-3'
Protein context (NP_001352465.1, residues 326-346): EGYTCVKIGR[Asn336Ile]PDYGYTSFDT